The following is an entry in ClinVar:

NM_001364171.2(ODAD1):c.808G>A (p.Asp270Asn)

Gene: ODAD1 (outer dynein arm docking complex subunit 1; minus strand). Cytogenetic location: 19q13.33.
Variant type: single nucleotide variant.
Coding change: c.808G>A on transcript NM_001364171.2 (MANE Select); coding-DNA position 808, G replaced by A.
Protein change: p.Asp270Asn; replaces aspartic acid 270 with asparagine.
Molecular consequence: missense variant.
Genome position (GRCh38, 1-based): chr19:48,303,998, C>T on the plus strand (G>A on the coding strand, the complement: ODAD1 is on the minus strand). VCF-style: chr19-48303998-C-T. GRCh37 (hg19) VCF-style: chr19-48807255-C-T.
Other names: c.697G>A, p.Asp233Asn (NM_144577.4); short protein forms D233N, D270N.
Identifiers: ClinVar variation 413797 (VCV000413797.15), dbSNP rs145629439, ClinGen allele CA9548958.

ClinVar aggregate classification (germline): Benign. Review status: criteria provided, multiple submitters, no conflicts (2 of 4 stars). 3 submissions from 3 submitters: Benign (2). 1 of the submissions does not count toward it. Last evaluated 2026-02-01.

Conditions:
ODAD1-related disorder. Also called: ODAD1-related condition.
Primary ciliary dyskinesia. Also called: Ciliary dyskinesia. Identifiers: Orphanet 244, MedGen C0008780, MONDO:0016575, HP:0012265.

Allele frequency attached by ClinVar (database versions not stated): ESP Exome Variant Server 0.00031; TOPMed 0.00055; gnomAD exomes 0.00075 and 0.00175; gnomAD 0.00090 and 0.00103; ExAC 0.00177; 1000 Genomes Project 30x 0.00187; 1000 Genomes Project 0.00200.
gnomAD v4.1: 1,266 of 1,614,204 alleles (0.078%); highest among the groups gnomAD compares: East Asian, 1.3%; 9 homozygotes.

Submissions (3):

Labcorp Genetics (formerly Invitae), Labcorp
Classification: Benign for Primary ciliary dyskinesia. Last evaluated: 2026-02-01. Review status: criteria provided, single submitter. Criteria: Invitae Variant Classification Sherloc (09022015). Collection method: clinical testing. Allele origin: germline.

Ambry Genetics
Classification: Benign for Primary ciliary dyskinesia. Last evaluated: 2021-01-11. Review status: criteria provided, single submitter. Criteria: Ambry Variant Classification Scheme 2023. Collection method: clinical testing. Allele origin: germline.

PreventionGenetics, part of Exact Sciences
Classification: Benign for ODAD1-related condition. Last evaluated: 2020-02-03. Review status: no assertion criteria provided. Collection method: clinical testing. Allele origin: germline. Not counted in ClinVar's aggregate classification.
Comment: This variant is classified as benign based on ACMG/AMP sequence variant interpretation guidelines (Richards et al. 2015 PMID: 25741868, with internal and published modifications).